The following is an entry in ClinVar:

NM_182961.4(SYNE1):c.20920G>A (p.Val6974Met)

Gene: SYNE1 (spectrin repeat containing nuclear envelope protein 1; minus strand). Cytogenetic location: 6q25.2.
Variant type: single nucleotide variant.
Coding change: c.20920G>A on transcript NM_182961.4 (MANE Select); coding-DNA position 20920, G replaced by A.
Protein change: p.Val6974Met; replaces valine 6974 with methionine.
Molecular consequence: missense variant.
Genome position (GRCh38, 1-based): chr6:152,231,510, C>T on the plus strand (G>A on the coding strand, the complement: SYNE1 is on the minus strand). VCF-style: chr6-152231510-C-T. GRCh37 (hg19) VCF-style: chr6-152552645-C-T.
Other names: c.20707G>A, p.Val6903Met (NM_033071.5); short protein forms V6903M, V6974M.
Identifiers: ClinVar variation 595418 (VCV000595418.9), dbSNP rs767422903, ClinGen allele CA4054295.

ClinVar aggregate classification (germline): Uncertain significance. Review status: criteria provided, multiple submitters, no conflicts (2 of 4 stars). 2 submissions from 2 submitters: Uncertain significance (2). Last evaluated 2022-07-07.

Conditions:
Emery-Dreifuss muscular dystrophy 4, autosomal dominant (EDMD4). Also called: EMERY-DREIFUSS MUSCULAR DYSTROPHY 4 WITH VARIABLE FEATURES. Identifiers: Orphanet 261, MedGen C2751807, MONDO:0013071, OMIM 612998.
Autosomal recessive ataxia, Beauce type. Also called: SYNE1-Related Autosomal Recessive Cerebellar Ataxia; Spinocerebellar ataxia, autosomal recessive 8; ATAXIA, RECESSIVE, OF BEAUCE; SYNE1 Deficiency. Identifiers: Orphanet 88644, MedGen C1853116, MONDO:0012549, OMIM 610743.

Allele frequency attached by ClinVar (database versions not stated): gnomAD 0.00001; ExAC 0.00002; gnomAD exomes 0.00003; TOPMed 0.00003.
gnomAD v4.1: 22 of 1,613,916 alleles (0.0014%); highest among the groups gnomAD compares: East Asian, 0.0067%; no homozygotes.

Submissions (2):

Labcorp Genetics (formerly Invitae), Labcorp
Classification: Uncertain significance for Emery-Dreifuss muscular dystrophy 4, autosomal dominant; Autosomal recessive ataxia, Beauce type. Last evaluated: 2022-07-07. Review status: criteria provided, single submitter. Criteria: Invitae Variant Classification Sherloc (09022015). Collection method: clinical testing. Allele origin: germline.
Comment: In summary, the available evidence is currently insufficient to determine the role of this variant in disease. Therefore, it has been classified as a Variant of Uncertain Significance. Algorithms developed to predict the effect of missense changes on protein structure and function are either unavailable or do not agree on the potential impact of this missense change (SIFT: "Deleterious"; PolyPhen-2: "Probably Damaging"; Align-GVGD: "Class C15"). ClinVar contains an entry for this variant (Variation ID: 595418). This variant has not been reported in the literature in individuals affected with SYNE1-related conditions. The frequency data for this variant in the population databases is considered unreliable, as metrics indicate poor data quality at this position in the gnomAD database. This sequence change replaces valine, which is neutral and non-polar, with methionine, which is neutral and non-polar, at codon 6903 of the SYNE1 protein (p.Val6903Met).

Eurofins Ntd Llc (ga)
Classification: Uncertain significance. Last evaluated: 2017-12-14. Review status: criteria provided, single submitter. Criteria: EGL Classification Definitions 2015. Collection method: clinical testing. Allele origin: germline. Observed: 1 variant allele, 1 heterozygote.